The following is an entry in ClinVar:

ClinVar aggregate classification (germline): Uncertain significance. Review status: criteria provided, multiple submitters, no conflicts (2 of 4 stars). 3 submissions from 3 submitters: Uncertain significance (3). Last evaluated 2025-06-12.

Conditions:
Hearing loss, autosomal dominant 82. Also called: Deafness, autosomal dominant 82. Identifiers: MedGen C5676948, MONDO:0030719, OMIM 619804.

Submissions (3):

Ambry Genetics
Classification: Uncertain significance. Last evaluated: 2025-06-12. Review status: criteria provided, single submitter. Criteria: Ambry Variant Classification Scheme 2023. Collection method: clinical testing. Allele origin: germline.

Laboratory of Prof. Karen Avraham, Tel Aviv University
Classification: Uncertain significance for Hearing loss, autosomal dominant 82. Last evaluated: 2024-12-15. Review status: criteria provided, single submitter. Criteria: ACMG Guidelines, 2015. Collection method: research. Allele origin: germline. Affected: yes. Observed: 1 variant allele.
Comment: The ATP2B2 c.2336A>G:p.(Asp779Gly) heterozygous variant is predicted deleterious by most prediction tools and it is not found in gnomAD.

GeneDx
Classification: Uncertain significance. Last evaluated: 2022-11-07. Review status: criteria provided, single submitter. Criteria: GeneDx Variant Classification Process June 2021. Collection method: clinical testing. Allele origin: germline. Affected: yes.
Comment: Not observed at significant frequency in large population cohorts (gnomAD); In silico analysis supports that this missense variant has a deleterious effect on protein structure/function; Has not been previously published as pathogenic or benign to our knowledge

NM_001001331.4(ATP2B2):c.2336A>G (p.Asp779Gly)

Gene: ATP2B2 (ATPase plasma membrane Ca2+ transporting 2; minus strand). Cytogenetic location: 3p25.3.
Variant type: single nucleotide variant.
Coding change: c.2336A>G on transcript NM_001001331.4 (MANE Select); coding-DNA position 2336, A replaced by G.
Protein change: p.Asp779Gly; replaces aspartic acid 779 with glycine.
Molecular consequence: missense variant.
Genome position (GRCh38, 1-based): chr3:10,350,180, T>C on the plus strand (A>G on the coding strand, the complement: ATP2B2 is on the minus strand). VCF-style: chr3-10350180-T-C. GRCh37 (hg19) VCF-style: chr3-10391864-T-C.
Other names: DFNA82; c.2201A>G, p.Asp734Gly (NM_001353564.1, NM_001363862.1, NM_001683.5 and 1 more transcripts); short protein forms D734G, D779G.
Identifiers: ClinVar variation 2501840 (VCV002501840.3), dbSNP rs2470208999, ClinGen allele CA351779515.
Genomic context (GRCh38, chr3:10,350,180, plus strand): 5'-AGGGTATGCTTGTCCGTTGGGGAGGAGCGAGCCAGCACCCGCAGCTTTGGCCAGATCTTG[T>C]CAATTCGCTCCTGCTCAATCTGGAGAGGGATGGGGAAGGGGGCGGGTCGGTGGGGTCGGG-3'
Protein context (NP_001001331.1, residues 769-789): EKGEIEQERI[Asp779Gly]KIWPKLRVLA